The following continues an entry in ClinVar:

NM_001267550.2(TTN):c.88394C>T (p.Ser29465Phe)

ClinVar aggregate classification (germline): Conflicting classifications of pathogenicity. Uncertain significance (3); Benign (10); Likely benign (9).

Submissions 18 to 28 of 28:

Genetic Services Laboratory, University of Chicago
Classification: Likely benign. Last evaluated: 2016-08-26. Review status: criteria provided, single submitter. Criteria: ACMG Guidelines, 2015. Collection method: clinical testing. Allele origin: germline. Affected: no.

Eurofins Ntd Llc (ga)
Classification: Likely benign. Last evaluated: 2015-07-20. Review status: criteria provided, single submitter. Criteria: EGL Classification Definitions 2015. Collection method: clinical testing. Allele origin: germline. Observed: 2 variant alleles, 2 heterozygotes.

Ambry Genetics
Classification: Likely benign for Cardiovascular phenotype. Last evaluated: 2013-11-25. Review status: criteria provided, single submitter. Criteria: Ambry Autosomal Dominant and X-Linked criteria (10/2015). Collection method: clinical testing. Allele origin: germline. Observed: 1 variant allele.

Biesecker Lab/Clinical Genomics Section, National Institutes of Health
Classification: Benign. Last evaluated: 2013-06-24. Review status: criteria provided, single submitter. Criteria: Ng et al. (Circ Cardiovasc Genet. 2013). Collection method: research. Allele origin: unknown. Observed: 5 variant alleles. Study: ClinSeq.
Comment: The study set was not selected for affection status in relation to any cancer. Pathogenicity categories were based on literature curation. See Pubmed ID:23861362 for details.

Medical sequencing

PreventionGenetics, part of Exact Sciences
Classification: Likely benign. Review status: criteria provided, single submitter. Criteria: ACMG Guidelines, 2015. Collection method: clinical testing. Allele origin: germline.

Clinical Genetics DNA and cytogenetics Diagnostics Lab, Erasmus MC, Erasmus Medical Center
Classification: Benign. Review status: no assertion criteria provided. Collection method: clinical testing. Allele origin: germline. Affected: yes. Study: VKGL Data-share Consensus. Not counted in ClinVar's aggregate classification.

Clinical Genetics, Academic Medical Center
Classification: Benign. Review status: no assertion criteria provided. Collection method: clinical testing. Allele origin: germline. Affected: yes. Study: VKGL Data-share Consensus. Not counted in ClinVar's aggregate classification.

Diagnostic Laboratory, Department of Genetics, University Medical Center Groningen
Classification: Likely benign. Review status: no assertion criteria provided. Collection method: clinical testing. Allele origin: germline. Affected: yes. Study: VKGL Data-share Consensus. Not counted in ClinVar's aggregate classification.

Genome Diagnostics Laboratory, University Medical Center Utrecht
Classification: Benign. Review status: no assertion criteria provided. Collection method: clinical testing. Allele origin: germline. Affected: yes. Study: VKGL Data-share Consensus. Not counted in ClinVar's aggregate classification.

Joint Genome Diagnostic Labs from Nijmegen and Maastricht, Radboudumc and MUMC+
Classification: Benign. Review status: no assertion criteria provided. Collection method: clinical testing. Allele origin: germline. Affected: yes. Study: VKGL Data-share Consensus. Not counted in ClinVar's aggregate classification.

Laboratory of Diagnostic Genome Analysis, Leiden University Medical Center (LUMC)
Classification: Likely benign. Review status: no assertion criteria provided. Collection method: clinical testing. Allele origin: germline. Affected: yes. Study: VKGL Data-share Consensus. Not counted in ClinVar's aggregate classification.

Literature cited by the submitters: PubMed 28750076 (cited by Women's Health and Genetics/Laboratory Corporation of America, LabCorp).